The following is an entry in ClinVar:

NM_012463.4(ATP6V0A2):c.2293C>T (p.Gln765Ter)

Gene: ATP6V0A2 (ATPase H+ transporting V0 subunit a2; plus strand). Cytogenetic location: 12q24.31.
Variant type: single nucleotide variant.
Coding change: c.2293C>T on transcript NM_012463.4 (MANE Select); coding-DNA position 2293, C replaced by T.
Protein change: p.Gln765Ter; replaces glutamine 765 with a stop codon.
Molecular consequence: nonsense.
Genome position (GRCh38, 1-based): chr12:123,754,537, C>T. VCF-style: chr12-123754537-C-T. GRCh37 (hg19) VCF-style: chr12-124239084-C-T.
Other names: c.2293C>T (NM_012463.3); short protein forms Q765*.
Identifiers: ClinVar variation 844 (VCV000000844.6), dbSNP rs80356758, ClinGen allele CA339834.

ClinVar aggregate classification (germline): Pathogenic. Review status: criteria provided, multiple submitters, no conflicts (2 of 4 stars). 4 submissions from 4 submitters: Pathogenic (2). 2 of the submissions do not count toward it. Last evaluated 2025-06-24.

Conditions:
ALG9 congenital disorder of glycosylation (CDG1L). Also called: ALG9-CDG; CDG Il; CONGENITAL DISORDER OF GLYCOSYLATION, TYPE Il. Identifiers: Orphanet 79328, MedGen C2931006, MONDO:0012117, OMIM 608776.
Cutis laxa with osteodystrophy (ARCL2A). Also called: CUTIS LAXA WITH CONGENITAL DISORDER OF GLYCOSYLATION; CUTIS LAXA, AUTOSOMAL RECESSIVE, TYPE IIA; Debré-Type Cutis Laxa; CUTIS LAXA WITH BONE DYSTROPHY; CUTIS LAXA WITH GROWTH AND DEVELOPMENTAL DELAY; CUTIS LAXA WITH JOINT LAXITY AND RETARDED DEVELOPMENT. Identifiers: Orphanet 357058, MedGen C0268355, MONDO:0018163, OMIM 219200. Disease mechanism: loss of function.

Allele frequency attached by ClinVar (database versions not stated): gnomAD 0.00001; gnomAD exomes 0.00001 and 0.00002; TOPMed 0.00001; ExAC 0.00002.

Submissions (4):

GeneDx
Classification: Pathogenic. Last evaluated: 2025-06-24. Review status: criteria provided, single submitter. Criteria: GeneDx Variant Classification Process June 2021. Collection method: clinical testing. Allele origin: germline. Affected: yes.
Comment: Not observed at significant frequency in large population cohorts (gnomAD); Nonsense variant predicted to result in protein truncation or nonsense mediated decay in a gene for which loss of function is a known mechanism of disease; This variant is associated with the following publications: (PMID: 27896089, 24478233, 19321599, 18157129, 20301755)

Labcorp Genetics (formerly Invitae), Labcorp
Classification: Pathogenic for ALG9 congenital disorder of glycosylation. Last evaluated: 2024-08-14. Review status: criteria provided, single submitter. Criteria: Invitae Variant Classification Sherloc (09022015). Collection method: clinical testing. Allele origin: germline.
Comment: This sequence change creates a premature translational stop signal (p.Gln765*) in the ATP6V0A2 gene. It is expected to result in an absent or disrupted protein product. Loss-of-function variants in ATP6V0A2 are known to be pathogenic (PMID: 18157129, 19321599). This variant is present in population databases (rs80356758, gnomAD 0.01%). This premature translational stop signal has been observed in individual(s) with cutis laxa (PMID: 18157129, 24478233). ClinVar contains an entry for this variant (Variation ID: 844). For these reasons, this variant has been classified as Pathogenic.

OMIM
Classification: Pathogenic for CUTIS LAXA, AUTOSOMAL RECESSIVE, TYPE IIA. Last evaluated: 2008-01-01. Review status: no assertion criteria provided. Collection method: literature only. Allele origin: germline. Not counted in ClinVar's aggregate classification.

GeneReviews
No classification provided. Condition: Cutis laxa with osteodystrophy. Review status: no classification provided. Collection method: literature only. Allele origin: unknown. Not counted in ClinVar's aggregate classification.

Literature cited by the submitters: PubMed 18157129 (cited by 3 submitters); PubMed 19321599 (cited by Labcorp Genetics (formerly Invitae), Labcorp); PubMed 24478233 (cited by Labcorp Genetics (formerly Invitae), Labcorp); PubMed 20301755 (cited by GeneReviews); NCBI Bookshelf NBK5200 (cited by GeneReviews).